The following is an entry in ClinVar:

NM_007194.4(CHEK2):c.844C>G (p.His282Asp)

Gene: CHEK2 (checkpoint kinase 2; minus strand). Cytogenetic location: 22q12.1.
Variant type: single nucleotide variant.
Coding change: c.844C>G on transcript NM_007194.4 (MANE Select); coding-DNA position 844, C replaced by G.
Protein change: p.His282Asp; replaces histidine 282 with aspartic acid.
Molecular consequence: missense variant.
Genome position (GRCh38, 1-based): chr22:28,710,008, G>C on the plus strand (C>G on the coding strand, the complement: CHEK2 is on the minus strand). VCF-style: chr22-28710008-G-C. GRCh37 (hg19) VCF-style: chr22-29105996-G-C.
Other names: c.973C>G, p.His325Asp (NM_001005735.3); c.181C>G, p.His61Asp (NM_001257387.3); c.643C>G, p.His215Asp (NM_001349956.3); c.844C>G, p.His282Asp (NM_145862.3); short protein forms H215D, H282D, H325D, H61D.
Identifiers: ClinVar variation 2691813 (VCV002691813.3), dbSNP rs774068238, ClinGen allele CA411102270.

ClinVar aggregate classification (germline): Uncertain significance. Review status: criteria provided, multiple submitters, no conflicts (2 of 4 stars). 3 submissions from 3 submitters: Uncertain significance (2). 1 of the submissions does not count toward it. Last evaluated 2025-07-09.

Conditions:
CHEK2-related cancer predisposition (TPDS4). Also called: CHEK2-related cancer susceptibility; TUMOR PREDISPOSITION SYNDROME 4; CANCER PREDISPOSITION SYNDROME, CHEK2-RELATED. Identifiers: Orphanet 524, MedGen C5882668, MONDO:0700271, OMIM 609265.
Hereditary cancer-predisposing syndrome. Also called: Neoplastic Syndromes, Hereditary; Hereditary neoplastic syndrome; Tumor predisposition; Hereditary Cancer Syndrome. Identifiers: Orphanet 140162, MedGen C0027672, MeSH D009386, MONDO:0015356.
Familial prostate cancer. Also called: Hereditary Prostate Cancer. Identifiers: MedGen C2931456, MONDO:0700275, OMIM 176807.
Bone osteosarcoma. Also called: Osteosarcoma, somatic. Identifiers: Orphanet 668, MedGen C0585442, MONDO:0002629, OMIM 259500.

Submissions (3):

Laboratorio de I+D, Fundación Centro Médico de Asturias
Classification: Uncertain significance for Hereditary cancer-predisposing syndrome. Last evaluated: 2025-07-09. Review status: criteria provided, single submitter. Criteria: ACMG Guidelines, 2015. Collection method: clinical testing. Allele origin: germline.
Comment: PM2_Supporting+PP3_Moderate+BP1

Fulgent Genetics
Classification: Uncertain significance for Familial prostate cancer; Bone osteosarcoma; CHEK2-related cancer predisposition. Last evaluated: 2024-06-18. Review status: criteria provided, single submitter. Criteria: ACMG Guidelines, 2015. Collection method: clinical testing. Allele origin: germline.

Department of Genetics, HCU Lozano Blesa
Classification: Likely pathogenic for CHEK2-related cancer predisposition. Last evaluated: 2023-05-01. Review status: no assertion criteria provided. Collection method: clinical testing. Allele origin: germline. Affected: yes. Observed: 1 variant allele. Not counted in ClinVar's aggregate classification.
Comment: Variant summary: CHEK2 c.844C>G results in the replacement of His282 by an Asp residue (p.His282Asp). The variant was identified in 1 out of 396 patients analysed (freq: 0.0025, doi: 10.3389/fgene.2023.1274108). His282 is located in the kinase domain, and appears well-conserved in vertebrate species. This histidine is found at the protein surface, putatively forming a cation/π interaction with Tyr337. Substitution of His282 by aspartate implies the loss of the positive charge of the histidine and the introduction of a smaller, negatively charged residue, which may affect the abovementioned interaction with Tyr337. Moreover, His282 does not appear to be directly related to any of the CHEK2 conserved motifs and key functional elements either. Our in-silico study on the protein stability based on relaxation molecular dynamics simulations (doi: 10.3389/fgene.2023.1274108) indicates that His282Asp does not induce conformational unstability on CHEK2 protein. The variant has not been reported in gnomAD v4 or ClinVar as of now. Other replacements described at this position (H282Q, H282R, H282N, and H282Y) are classified by ClinVar as of Uncertain Significance. The metapredictor PirePred (relies on verdicts from other 15 predictor or metapredictor tools) and the AI-based predictor AlphaMissense classify His282Asp as Pathogenic, whereas the ACMG classification tool Franklin suggests this variant as VUS (Uncertain Significance). No functional study on this variation has been reported so far. However, this variant is annotated in VarSome as affecting the splicing, which could explain its pathogenicity. All this information, even if not conclusive, appears to indicate this variant have more chances of being Pathogenic.

Literature cited by the submitters: DOI 10.3389/fgene.2023.1274108 (cited by Department of Genetics, HCU Lozano Blesa).